The following is an entry in ClinVar:

ClinVar aggregate classification (germline): Uncertain significance (1 of 4 stars; one submission).

Allele frequency attached by ClinVar (database versions not stated): gnomAD exomes below 0.00001.
gnomAD v4.1: 4 of 1,614,032 alleles (0.00025%); highest among the groups gnomAD compares: Non-Finnish European, 0.00025%; no homozygotes.

Submission:

Labcorp Genetics (formerly Invitae), Labcorp
Classification: Uncertain significance. Last evaluated: 2025-09-08. Review status: criteria provided, single submitter. Criteria: Invitae Variant Classification Sherloc (09022015). Collection method: clinical testing. Allele origin: germline.
Comment: This sequence change replaces arginine, which is basic and polar, with glycine, which is neutral and non-polar, at codon 1595 of the LRP6 protein (p.Arg1595Gly). This variant is not present in population databases (gnomAD no frequency). This variant has not been reported in the literature in individuals affected with LRP6-related conditions. ClinVar contains an entry for this variant (Variation ID: 1971520). An algorithm developed to predict the effect of missense changes on protein structure and function (PolyPhen-2) suggests that this variant is likely to be disruptive. In summary, the available evidence is currently insufficient to determine the role of this variant in disease. Therefore, it has been classified as a Variant of Uncertain Significance.

NM_002336.3(LRP6):c.4783A>G (p.Arg1595Gly)

Gene: LRP6 (LDL receptor related protein 6; minus strand). Cytogenetic location: 12p13.2.
Variant type: single nucleotide variant.
Coding change: c.4783A>G on transcript NM_002336.3 (MANE Select); coding-DNA position 4783, A replaced by G.
Protein change: p.Arg1595Gly; replaces arginine 1595 with glycine.
Molecular consequence: missense variant.
Genome position (GRCh38, 1-based): chr12:12,121,185, T>C on the plus strand (A>G on the coding strand, the complement: LRP6 is on the minus strand). VCF-style: chr12-12121185-T-C. GRCh37 (hg19) VCF-style: chr12-12274119-T-C.
Other names: c.4876A>G, p.Arg1626Gly (NM_001414244.1); c.4783A>G, p.Arg1595Gly (NM_001414245.1); c.4648A>G, p.Arg1550Gly (NM_001414246.1); c.4585A>G, p.Arg1529Gly (NM_001414247.1); c.*259A>G (NM_001414248.1); c.4420A>G, p.Arg1474Gly (NM_001414251.1); c.4330A>G, p.Arg1444Gly (NM_001414252.1, NM_001414253.1, NM_001414254.1); c.4276A>G, p.Arg1426Gly (NM_001414255.1); short protein forms R1444G, R1474G, R1626G, R1529G, R1595G, R1426G, R1550G.
Identifiers: ClinVar variation 1971520 (VCV001971520.5), dbSNP rs2498554371, ClinGen allele CA383947529.